The following is an entry in ClinVar:

NM_020778.5(ALPK3):c.-29C>G

Gene: ALPK3 (alpha kinase 3; plus strand). Cytogenetic location: 15q25.3.
Variant type: single nucleotide variant.
Coding change: c.-29C>G on transcript NM_020778.5 (MANE Select); 29 bases upstream of the start codon, C replaced by G.
Molecular consequence: 5 prime UTR variant.
Genome position (GRCh38, 1-based): chr15:84,817,424, C>G. VCF-style: chr15-84817424-C-G. GRCh37 (hg19) VCF-style: chr15-85360655-C-G.
Identifiers: ClinVar variation 2752805 (VCV002752805.3), dbSNP rs1396554659, ClinGen allele CA393369201.
Genomic context (GRCh38, chr15:84,817,424, plus strand): 5'-CGGCGGCGGGCAGGGGCCCGGGGGCCGGGGCCTGGAGGACAGGCGAGGCAGCGGCGAGTG[C>G]GGGGCCGGCGGTCGGGGAGGGCGGTGCCATGGGGTCGCGGAGGGCCCCCAGCCGGGGCTG-3'

ClinVar aggregate classification (germline): Uncertain significance (1 of 4 stars; one submission).

Submission:

Labcorp Genetics (formerly Invitae), Labcorp
Classification: Uncertain significance. Last evaluated: 2023-08-16. Review status: criteria provided, single submitter. Criteria: Invitae Variant Classification Sherloc (09022015). Collection method: clinical testing. Allele origin: germline.
Comment: This sequence change replaces alanine, which is neutral and non-polar, with glycine, which is neutral and non-polar, at codon 193 of the ALPK3 protein (p.Ala193Gly). This variant is not present in population databases (gnomAD no frequency). This variant has not been reported in the literature in individuals affected with ALPK3-related conditions. An algorithm developed to predict the effect of missense changes on protein structure and function (PolyPhen-2) suggests that this variant is likely to be tolerated. In summary, the available evidence is currently insufficient to determine the role of this variant in disease. Therefore, it has been classified as a Variant of Uncertain Significance.